The following is an entry in ClinVar:

NM_000059.4(BRCA2):c.5128T>A (p.Tyr1710Asn)

Gene: BRCA2 (BRCA2 DNA repair associated; plus strand). Cytogenetic location: 13q13.1.
Variant type: single nucleotide variant.
Coding change: c.5128T>A on transcript NM_000059.4 (MANE Select); coding-DNA position 5128, T replaced by A.
Protein change: p.Tyr1710Asn; replaces tyrosine 1710 with asparagine.
Molecular consequence: missense variant. On other transcripts: non-coding transcript variant (1), intron variant (2).
Genome position (GRCh38, 1-based): chr13:32,339,483, T>A. VCF-style: chr13-32339483-T-A. GRCh37 (hg19) VCF-style: chr13-32913620-T-A.
Other names: c.5128T>A, p.Tyr1710Asn (NM_001406719.1, NM_001406720.1, NM_001432077.1); c.1910-5075T>A (NM_001406721.1); c.425-5075T>A (NM_001406722.1); short protein forms Y1710N.
Identifiers: ClinVar variation 5033269 (VCV005033269.1).

ClinVar aggregate classification (germline): Uncertain significance (1 of 4 stars; one submission).

Conditions:
Hereditary cancer-predisposing syndrome. Also called: Neoplastic Syndromes, Hereditary; Tumor predisposition; Hereditary neoplastic syndrome; Hereditary Cancer Syndrome. Identifiers: Orphanet 140162, MedGen C0027672, MeSH D009386, MONDO:0015356.

Submission:

Ambry Genetics
Classification: Uncertain significance for Hereditary cancer-predisposing syndrome. Last evaluated: 2026-07-06. Review status: criteria provided, single submitter. Criteria: Ambry Variant Classification Scheme 2023. Collection method: clinical testing. Allele origin: germline.
Comment: The p.Y1710N variant (also known as c.5128T>A), located in coding exon 10 of the BRCA2 gene, results from a T to A substitution at nucleotide position 5128. The tyrosine at codon 1710 is replaced by asparagine, an amino acid with dissimilar properties. This amino acid position is conserved. In addition, this alteration is predicted to be tolerated by in silico analysis. Based on the available evidence, the clinical significance of this variant remains unclear.